The following is an entry in ClinVar:

NM_000243.3(MEFV):c.761_764dup (p.Asn256fs)

Gene: MEFV (MEFV innate immunity regulator, pyrin; minus strand). Cytogenetic location: 16p13.3.
Variant type: Duplication.
Coding change: c.761_764dup on transcript NM_000243.3 (MANE Select); coding-DNA positions 761 to 764, 4 bases duplicated (CCGC; older notation c.761_764dupCCGC).
Protein change: p.Asn256fs; shifts the reading frame from asparagine 256.
Molecular consequence: frameshift variant. On other transcripts: intron variant (1).
Genome position (GRCh38, 1-based): chr16:3,254,304-3,254,307, GCGG duplicated on the plus strand (CCGC on the coding strand, the reverse complement: MEFV is on the minus strand); duplicating any 4 consecutive bases within chr16:3,254,304-3,254,310 gives the same sequence; the c. name uses the placement nearest the transcript's 3' end. VCF-style (leftmost placement, unchanged base first): chr16-3254303-T-TGCGG. GRCh37 (hg19) VCF-style: chr16-3304303-T-TGCGG.
Other names: c.277+2004_277+2007dup (NM_001198536.2); c.761_764dupCCGC (NM_000243.3, NM_000243.2); short protein forms N256fs.
Identifiers: ClinVar variation 97544 (VCV000097544.38), dbSNP rs104895138, ClinGen allele CA280657.

ClinVar aggregate classification (germline): Conflicting classifications of pathogenicity. Review status: criteria provided, conflicting classifications (1 of 4 stars). 6 submissions from 6 submitters: Likely pathogenic (1); Uncertain significance (4). 1 of the submissions does not count toward it. Last evaluated 2026-06-08.

Conditions:
Familial Mediterranean fever (FMF). Also called: POLYSEROSITIS, FAMILIAL PAROXYSMAL; POLYSEROSITIS, RECURRENT; Periodic peritonitis; Benign paroxysmal peritonitis. Identifiers: Orphanet 342, MedGen C0031069, MONDO:0018088, OMIM 249100. Disease mechanism: gain of function.

Submissions (6):

Women's Health and Genetics/Laboratory Corporation of America, LabCorp
Classification: Uncertain significance. Last evaluated: 2026-06-08. Review status: criteria provided, single submitter. Criteria: LabCorp Variant Classification Summary - May 2015. Collection method: clinical testing. Allele origin: germline.
Comment: Variant summary: MEFV c.761_764dupCCGC (p.Asn256ArgfsX70) results in a premature termination codon, predicted to cause a truncation of the encoded protein or absence of the protein due to nonsense mediated decay, however current evidence is not sufficient to establish loss of function as a mechanism for disease. The variant allele was found at a frequency of 8e-06 in 251424 control chromosomes. The available data on variant occurrences in the general population are insufficient to allow any conclusion about variant significance. c.761_764dupCCGC has been reported in the literature in compound heterozygous individuals affected with Familial Mediterranean Fever (e.g. Oztuzcu_2014, Stella_2019). These data do not allow any conclusion about variant significance. To our knowledge, no experimental evidence demonstrating an impact on protein function has been reported. The following publications have been ascertained in the context of this evaluation (PMID: 22903357, 24469716, 30476289, 29599418). ClinVar contains an entry for this variant (Variation ID: 97544). Based on the evidence outlined above, the variant was classified as uncertain significance.

CeGaT Center for Human Genetics Tuebingen
Classification: Uncertain significance. Last evaluated: 2023-10-01. Review status: criteria provided, single submitter. Criteria: CeGaT Center For Human Genetics Tuebingen Variant Classification Criteria Version 2. Collection method: clinical testing. Allele origin: germline. Affected: yes. Observed: 1 variant allele.
Comment: MEFV: PM2

Labcorp Genetics (formerly Invitae), Labcorp
Classification: Uncertain significance for Familial Mediterranean fever. Last evaluated: 2021-08-27. Review status: criteria provided, single submitter. Criteria: Invitae Variant Classification Sherloc (09022015). Collection method: clinical testing. Allele origin: germline.
Comment: This sequence change creates a premature translational stop signal (p.Asn256Argfs*70) in the MEFV gene. It is expected to result in an absent or disrupted protein product. However, the current clinical and genetic evidence is not sufficient to establish whether loss-of-function variants in MEFV cause disease. This variant is present in population databases (rs104895138, ExAC 0.01%). This premature translational stop signal has been observed in individual(s) with clinical features of familial Mediterranean fever (PMID: 24469716, 30476289). ClinVar contains an entry for this variant (Variation ID: 97544). In summary, the available evidence is currently insufficient to determine the role of this variant in disease. Therefore, it has been classified as a Variant of Uncertain Significance.

Mendelics
Classification: Uncertain significance for Familial Mediterranean fever. Last evaluated: 2019-05-28. Review status: criteria provided, single submitter. Criteria: Mendelics Assertion Criteria 2017. Collection method: clinical testing. Allele origin: unknown.

Kariminejad - Najmabadi Pathology & Genetics Center
Classification: Likely pathogenic for Familial Mediterranean fever. Review status: criteria provided, single submitter. Criteria: ACMG Guidelines, 2015. Collection method: clinical testing. Allele origin: germline. Affected: no.

Unité médicale des maladies autoinflammatoires, CHRU Montpellier
No classification provided. Condition: Familial Mediterranean fever. Review status: no classification provided. Collection method: not provided. Allele origin: unknown. Not counted in ClinVar's aggregate classification.

Literature cited by the submitters: PubMed 22903357 (cited by Women's Health and Genetics/Laboratory Corporation of America, LabCorp); PubMed 24469716 (cited by Women's Health and Genetics/Laboratory Corporation of America, LabCorp and Labcorp Genetics (formerly Invitae), Labcorp); PubMed 29599418 (cited by Women's Health and Genetics/Laboratory Corporation of America, LabCorp); PubMed 30476289 (cited by Women's Health and Genetics/Laboratory Corporation of America, LabCorp and Labcorp Genetics (formerly Invitae), Labcorp).